The following is an entry in ClinVar:

NM_182914.3(SYNE2):c.4603G>C (p.Glu1535Gln)

Gene: SYNE2 (spectrin repeat containing nuclear envelope protein 2; plus strand). Cytogenetic location: 14q23.2.
Variant type: single nucleotide variant.
Coding change: c.4603G>C on transcript NM_182914.3 (MANE Select); coding-DNA position 4603, G replaced by C.
Protein change: p.Glu1535Gln; replaces glutamic acid 1535 with glutamine.
Molecular consequence: missense variant.
Genome position (GRCh38, 1-based): chr14:64,009,991, G>C. VCF-style: chr14-64009991-G-C. GRCh37 (hg19) VCF-style: chr14-64476709-G-C.
Other names: c.4603G>C, p.Glu1535Gln (NM_015180.6); short protein forms E1535Q.
Identifiers: ClinVar variation 2913573 (VCV002913573.3), dbSNP rs2551045068, ClinGen allele CA389935767.
Genomic context (GRCh38, chr14:64,009,991, plus strand): 5'-GGACATTTAGCTATTGTATATTTTTCTATTCTTAGTCTTGAACAATGTGGGAGAGTTTTG[G>C]AGCTCTTAAAACAATATCAGAATTTTAAAAGCATCTTGACAACTTTGATTCAAAAAGAAG-3'
Protein context (NP_878918.2, residues 1525-1545): ECLEQCGRVL[Glu1535Gln]LLKQYQNFKS

ClinVar aggregate classification (germline): Uncertain significance (1 of 4 stars; one submission).

Conditions:
Emery-Dreifuss muscular dystrophy 5, autosomal dominant (EDMD5). Also called: EMERY-DREIFUSS MUSCULAR DYSTROPHY 5. Identifiers: Orphanet 261, MedGen C2751805, MONDO:0013072, OMIM 612999.

Submission:

Labcorp Genetics (formerly Invitae), Labcorp
Classification: Uncertain significance for Emery-Dreifuss muscular dystrophy 5, autosomal dominant. Last evaluated: 2024-08-12. Review status: criteria provided, single submitter. Criteria: Invitae Variant Classification Sherloc (09022015). Collection method: clinical testing. Allele origin: germline.
Comment: This sequence change replaces glutamic acid, which is acidic and polar, with glutamine, which is neutral and polar, at codon 1535 of the SYNE2 protein (p.Glu1535Gln). This variant is not present in population databases (gnomAD no frequency). This variant has not been reported in the literature in individuals affected with SYNE2-related conditions. An algorithm developed to predict the effect of missense changes on protein structure and function (PolyPhen-2) suggests that this variant is likely to be disruptive. In summary, the available evidence is currently insufficient to determine the role of this variant in disease. Therefore, it has been classified as a Variant of Uncertain Significance.